The following is an entry in ClinVar:

NM_201384.3(PLEC):c.6222C>T (p.Ser2074=)

Gene: PLEC (plectin; minus strand). Cytogenetic location: 8q24.3.
Variant type: single nucleotide variant.
Coding change: c.6222C>T on transcript NM_201384.3 (MANE Select); coding-DNA position 6222, C replaced by T.
Protein change: p.Ser2074=; no amino-acid change (serine 2074 retained).
Molecular consequence: synonymous variant.
Genome position (GRCh38, 1-based): chr8:143,923,707, G>A on the plus strand (C>T on the coding strand, the complement: PLEC is on the minus strand). VCF-style: chr8-143923707-G-A. GRCh37 (hg19) VCF-style: chr8-144997875-G-A.
Other names: c.6303C>T, p.Ser2101= (NM_000445.5); c.6180C>T, p.Ser2060= (NM_201378.4); c.6156C>T, p.Ser2052= (NM_201379.3); c.6633C>T, p.Ser2211= (NM_201380.4); c.6126C>T, p.Ser2042= (NM_201381.3); c.6222C>T, p.Ser2074= (NM_201382.4); c.6234C>T, p.Ser2078= (NM_201383.3).
Identifiers: ClinVar variation 196738 (VCV000196738.23), dbSNP rs370347438, ClinGen allele CA243894.

ClinVar aggregate classification (germline): Conflicting classifications of pathogenicity. Review status: criteria provided, conflicting classifications (1 of 4 stars). 6 submissions from 6 submitters: Uncertain significance (1); Likely benign (5). Last evaluated 2026-01-27.

Conditions:
PLEC-related disorder. Also called: PLEC-related condition; PLEC-related disorders.
Epidermolysis bullosa simplex 5B, with muscular dystrophy (EBS5B). Also called: EPIDERMOLYSIS BULLOSA SIMPLEX AND LIMB-GIRDLE MUSCULAR DYSTROPHY; Epidermolysis bullosa simplex with muscular dystrophy. Identifiers: Orphanet 257, MedGen C2931072, MONDO:0009181, OMIM 226670.
Epidermolysis bullosa simplex, Ogna type (EBS5A). Also called: Pidermolysis bullosa simplex 5A, Ogna type; EPIDERMOLYSIS BULLOSA SIMPLEX 5A, OGNA TYPE. Identifiers: Orphanet 79401, MedGen C0432317, MONDO:0007555, OMIM 131950.
Autosomal recessive limb-girdle muscular dystrophy type 2Q (LGMDR17). Also called: MUSCULAR DYSTROPHY, LIMB-GIRDLE, AUTOSOMAL RECESSIVE 17. Identifiers: Orphanet 254361, MedGen C3150989, MONDO:0013390, OMIM 613723.
Epidermolysis bullosa simplex with nail dystrophy (EBS5D). Identifiers: MedGen C4225309, MONDO:0014661, OMIM 616487.
Epidermolysis bullosa simplex 5C, with pyloric atresia (EBS5C). Also called: PLEC-Related Epidermolysis Bullosa with Pyloric Atresia; Epidermolysis bullosa simplex with pyloric atresia; PLEC1-Related Epidermolysis Bullosa with Pyloric Atresia. Identifiers: Orphanet 158684, MedGen C2677349, MONDO:0012807, OMIM 612138.

Allele frequency attached by ClinVar (database versions not stated): ExAC 0.00010; 1000 Genomes Project 30x 0.00016; ESP Exome Variant Server 0.00020; gnomAD 0.00007; gnomAD exomes 0.00007; TOPMed 0.00008.
gnomAD v4.1: 124 of 1,545,050 alleles (0.008%); highest among the groups gnomAD compares: Middle Eastern, 0.15%; 1 homozygote.

Submissions (6):

Labcorp Genetics (formerly Invitae), Labcorp
Classification: Likely benign for Autosomal recessive limb-girdle muscular dystrophy type 2Q; Epidermolysis bullosa simplex, Ogna type; Epidermolysis bullosa simplex with nail dystrophy; Epidermolysis bullosa simplex 5C, with pyloric atresia; Epidermolysis bullosa simplex 5B, with muscular dystrophy. Last evaluated: 2026-01-27. Review status: criteria provided, single submitter. Criteria: Invitae Variant Classification Sherloc (09022015). Collection method: clinical testing. Allele origin: germline.

PreventionGenetics, part of Exact Sciences
Classification: Likely benign for PLEC-related condition. Last evaluated: 2025-08-30. Review status: criteria provided, single submitter. Criteria: ACMG Guidelines, 2015. Collection method: clinical testing. Allele origin: germline.
Comment: This variant is classified as likely benign based on ACMG/AMP sequence variant interpretation guidelines (Richards et al. 2015 PMID: 25741868, with internal and published modifications).

Blueprint Genetics
Classification: Likely benign. Last evaluated: 2024-11-01. Review status: criteria provided, single submitter. Criteria: ACMG Guidelines, 2015. Collection method: clinical testing. Allele origin: germline.

Revvity Omics, Revvity
Classification: Likely benign. Last evaluated: 2024-06-03. Review status: criteria provided, single submitter. Criteria: ACMG Guidelines, 2015. Collection method: clinical testing. Allele origin: germline.

GeneDx
Classification: Likely benign. Last evaluated: 2020-01-28. Review status: criteria provided, single submitter. Criteria: GeneDx Variant Classification Process June 2021. Collection method: clinical testing. Allele origin: germline. Affected: yes.

Eurofins Ntd Llc (ga)
Classification: Uncertain significance. Last evaluated: 2015-05-15. Review status: criteria provided, single submitter. Criteria: EGL Classification Definitions 2015. Collection method: clinical testing. Allele origin: germline. Observed: 2 variant alleles, 2 heterozygotes.